The following is an entry in ClinVar:

NM_001378964.1(CDON):c.*3221A>G

Gene: CDON (cell adhesion associated, oncogene regulated; minus strand). Cytogenetic location: 11q24.2.
Variant type: single nucleotide variant.
Coding change: c.*3221A>G on transcript NM_001378964.1 (MANE Select); 3221 bases downstream of the stop codon, A replaced by G.
Molecular consequence: 3 prime UTR variant.
Genome position (GRCh38, 1-based): chr11:125,957,721, T>C on the plus strand (A>G on the coding strand, the complement: CDON is on the minus strand). VCF-style: chr11-125957721-T-C. GRCh37 (hg19) VCF-style: chr11-125827616-T-C.
Other names: c.*3221A>G (NM_001243597.3, NM_016952.6).
Identifiers: ClinVar variation 303389 (VCV000303389.5), dbSNP rs539903009, ClinGen allele CA10630316.
Genomic context (GRCh38, chr11:125,957,721, plus strand): 5'-TTCTTGGCAGTACTATAGCTGGAATGAGATCTGTGGCATGATCAGCCCAAGATGGATGCA[T>C]TGAGTCTTCATAGACTCATTCGACAAAAACACCCAGAAAGAAAGGCTTTTGCTAAGAACA-3'

ClinVar aggregate classification (germline): Likely benign (1 of 4 stars; one submission).

Conditions:
Holoprosencephaly 11 (HPE11). Identifiers: Orphanet 2162, MedGen C3280215, MONDO:0013642, OMIM 614226.

Allele frequency attached by ClinVar (database versions not stated): 1000 Genomes Project 0.00319; gnomAD 0.00031 and 0.00003; TOPMed 0.00008; 1000 Genomes Project 30x 0.00297.

Submission:

Illumina Laboratory Services, Illumina
Classification: Likely benign for Holoprosencephaly 11. Last evaluated: 2017-04-27. Review status: criteria provided, single submitter. Criteria: ICSL Variant Classification Criteria 13 December 2019. Collection method: clinical testing. Allele origin: germline.
Comment: This variant was observed as part of a predisposition screen in an ostensibly healthy population. A literature search was performed for the gene, cDNA change, and amino acid change (where applicable). No publications were found based on this search. Allele frequency data from public databases allowed determination this variant is unlikely to cause disease. Therefore, this variant is classified as likely benign.